The following is an entry in ClinVar:

NM_000744.7(CHRNA4):c.521A>G (p.Asn174Ser)

Gene: CHRNA4 (cholinergic receptor nicotinic alpha 4 subunit; minus strand). Cytogenetic location: 20q13.33.
Variant type: single nucleotide variant.
Coding change: c.521A>G on transcript NM_000744.7 (MANE Select); coding-DNA position 521, A replaced by G.
Protein change: p.Asn174Ser; replaces asparagine 174 with serine.
Molecular consequence: missense variant. On other transcripts: 5 prime UTR variant (1), non-coding transcript variant (1).
Genome position (GRCh38, 1-based): chr20:63,350,890, T>C on the plus strand (A>G on the coding strand, the complement: CHRNA4 is on the minus strand). VCF-style: chr20-63350890-T-C. GRCh37 (hg19) VCF-style: chr20-61982242-T-C.
Other names: p.N174S:AAC>AGC; c.-8A>G (NM_001256573.2); short protein forms N174S.
Identifiers: ClinVar variation 205013 (VCV000205013.2), dbSNP rs796052316, ClinGen allele CA313543.

ClinVar aggregate classification (germline): Uncertain significance (1 of 4 stars; one submission).

Submission:

GeneDx
Classification: Uncertain significance. Last evaluated: 2013-07-02. Review status: criteria provided, single submitter. Criteria: GeneDx Variant Classification (06012015). Collection method: clinical testing. Allele origin: germline. Affected: yes.
Comment: p.Asn174Ser (AAC>AGC): c.521 A>G in exon 5 of the CHRNA4 gene (NM_000744.5) The Asn174Ser missense change has not been published as a mutation, nor has it been reported as a benign polymorphism to our knowledge. It was not observed in approximately 6,500 individuals of European and African American ancestry in the NHLBI Exome Sequencing Project, indicating it is not a common benign variant in these populations. Asn174Ser is a conservative amino acid substitution as both Asparagine and Serine are uncharged, polar residues. It alters a position in the extracellular region of the protein that is conserved through mammals but is not conserved in more distant species. Two in silico algorithms predict that Asn174Ser is benign, while another algorithm predicts that the change is possibly damaging to the structure/function of the protein. Therefore, based on the currently available information, it is unclear whether Asn174Ser is a disease-causing mutation or a rare benign variant. The variant is found in EPILEPSY panel(s).